The following is an entry in ClinVar:

NM_001253697.2(ERBIN):c.4013G>T (p.Gly1338Val)

Gene: ERBIN (erbb2 interacting protein; plus strand). Cytogenetic location: 5q12.3.
Variant type: single nucleotide variant.
Coding change: c.4013G>T on transcript NM_001253697.2 (MANE Select); coding-DNA position 4013, G replaced by T.
Protein change: p.Gly1338Val; replaces glycine 1338 with valine.
Molecular consequence: missense variant.
Genome position (GRCh38, 1-based): chr5:66,076,365, G>T. VCF-style: chr5-66076365-G-T. GRCh37 (hg19) VCF-style: chr5-65372193-G-T.
Other names: c.3683G>T, p.Gly1228Val (NM_001006600.3); c.3890G>T, p.Gly1297Val (NM_001253698.2, NM_018695.4); c.4034G>T, p.Gly1345Val (NM_001253699.2); c.3878G>T, p.Gly1293Val (NM_001253701.2); short protein forms G1228V, G1297V, G1338V, G1293V, G1345V.
Identifiers: ClinVar variation 4779723 (VCV004779723.1).

ClinVar aggregate classification (germline): Uncertain significance (1 of 4 stars; one submission).

gnomAD v4.1: 5 of 1,613,522 alleles (0.00031%); highest among the groups gnomAD compares: Non-Finnish European, 0.00042%; no homozygotes.

Submission:

Labcorp Genetics (formerly Invitae), Labcorp
Classification: Uncertain significance. Last evaluated: 2025-04-01. Review status: criteria provided, single submitter. Criteria: Invitae Variant Classification Sherloc (09022015). Collection method: clinical testing. Allele origin: germline.
Comment: This sequence change replaces glycine, which is neutral and non-polar, with valine, which is neutral and non-polar, at codon 1338 of the ERBIN protein (p.Gly1338Val). This variant is present in population databases (rs780344701, gnomAD 0.0009%). This variant has not been reported in the literature in individuals affected with ERBIN-related conditions. An algorithm developed to predict the effect of missense changes on protein structure and function (PolyPhen-2) suggests that this variant is likely to be disruptive. In summary, the available evidence is currently insufficient to determine the role of this variant in disease. Therefore, it has been classified as a Variant of Uncertain Significance.